The following is an entry in ClinVar:

ClinVar aggregate classification (germline): Uncertain significance (1 of 4 stars; one submission).

Conditions:
Cardiovascular phenotype. Identifiers: MedGen CN230736.

Submission:

Ambry Genetics
Classification: Uncertain significance for Cardiovascular phenotype. Last evaluated: 2022-11-01. Review status: criteria provided, single submitter. Criteria: Ambry Variant Classification Scheme 2023. Collection method: clinical testing. Allele origin: germline.
Comment: The p.W681* variant (also known as c.2043G>A), located in coding exon 15 of the TRPM4 gene, results from a G to A substitution at nucleotide position 2043. This changes the amino acid from a tryptophan to a stop codon within coding exon 15. This alteration is expected to result in protein truncation or nonsense-mediated mRNA decay. However, loss of function of TRPM4 has not been established as a mechanism of disease. Since supporting evidence is limited at this time, the clinical significance of this alteration remains unclear.

NM_017636.4(TRPM4):c.2043G>A (p.Trp681Ter)

Gene: TRPM4 (transient receptor potential cation channel subfamily M member 4; plus strand). Cytogenetic location: 19q13.33.
Variant type: single nucleotide variant.
Coding change: c.2043G>A on transcript NM_017636.4 (MANE Select); coding-DNA position 2043, G replaced by A.
Protein change: p.Trp681Ter; replaces tryptophan 681 with a stop codon.
Molecular consequence: nonsense.
Genome position (GRCh38, 1-based): chr19:49,190,231, G>A. VCF-style: chr19-49190231-G-A. GRCh37 (hg19) VCF-style: chr19-49693488-G-A.
Other names: c.2043G>A, p.Trp681Ter (NM_001195227.2); c.1698G>A, p.Trp566Ter (NM_001321281.2); c.435G>A, p.Trp145Ter (NM_001321282.2); c.1521G>A, p.Trp507Ter (NM_001321283.2); c.981G>A, p.Trp327Ter (NM_001321285.2); short protein forms W507*, W566*, W681*, W145*, W327*.
Identifiers: ClinVar variation 2497045 (VCV002497045.2), dbSNP rs2514150427, ClinGen allele CA406805060.